The following is an entry in ClinVar:

NM_006015.6(ARID1A):c.2161+1G>A

Gene: ARID1A (AT-rich interaction domain 1A; plus strand). Cytogenetic location: 1p36.11.
Variant type: single nucleotide variant.
Coding change: c.2161+1G>A on transcript NM_006015.6 (MANE Select); the canonical splice donor site of the intron after coding-DNA position 2161, G replaced by A.
Molecular consequence: splice donor variant.
Genome position (GRCh38, 1-based): chr1:26,761,097, G>A. VCF-style: chr1-26761097-G-A. GRCh37 (hg19) VCF-style: chr1-27087588-G-A.
Other names: c.2161+1G>A (NM_139135.4).
Identifiers: ClinVar variation 4855482 (VCV004855482.1).

ClinVar aggregate classification (germline): Likely pathogenic (1 of 4 stars; one submission).

Conditions:
Intellectual disability, autosomal dominant 14 (CSS2). Also called: COFFIN-SIRIS SYNDROME 2. Identifiers: Orphanet 1465, MedGen C3553247, MONDO:0013819, OMIM 614607.

Submission:

3billion
Classification: Likely pathogenic for Intellectual disability, autosomal dominant 14. Last evaluated: 2025-11-11. Review status: criteria provided, single submitter. Criteria: ACMG Guidelines, 2015. Collection method: clinical testing. Allele origin: germline. Affected: yes.
Comment: The variant is not observed in the gnomAD v4.1.0 dataset. Predicted Consequence/Location: Canonical splice site: predicted to alter splicing and result in a loss or disruption of normal protein function. Multiple pathogenic loss-of-function variants are reported downstream of the variant. In silico tools predict the variant to alter splicing and produce an abnormal transcript [SpliceAI: 0.91 (spliceogenicity >=0.2, non-spliceogenicity <0.1)]. Therefore, this variant is classified as Likely pathogenic according to the recommendation of ACMG/AMP guideline.